The following is an entry in ClinVar:

ClinVar aggregate classification (germline): Uncertain significance (1 of 4 stars; one submission).

Conditions:
Hereditary cancer-predisposing syndrome. Also called: Tumor predisposition; Neoplastic Syndromes, Hereditary; Hereditary Cancer Syndrome; Hereditary neoplastic syndrome. Identifiers: Orphanet 140162, MedGen C0027672, MeSH D009386, MONDO:0015356.

Submission:

Ambry Genetics
Classification: Uncertain significance for Hereditary cancer-predisposing syndrome. Last evaluated: 2025-02-18. Review status: criteria provided, single submitter. Criteria: Ambry Variant Classification Scheme 2023. Collection method: clinical testing. Allele origin: germline.
Comment: The p.G511E variant (also known as c.1532G>A), located in coding exon 11 of the APC gene, results from a G to A substitution at nucleotide position 1532. The glycine at codon 511 is replaced by glutamic acid, an amino acid with similar properties. This amino acid position is conserved. In addition, in silico predictors for this gene do not accurately predict pathogenicity. Based on the available evidence, the clinical significance of this variant remains unclear.

NM_000038.6(APC):c.1532G>A (p.Gly511Glu)

Gene: APC (APC regulator of Wnt signaling pathway; plus strand). Cytogenetic location: 5q22.2.
Variant type: single nucleotide variant.
Coding change: c.1532G>A on transcript NM_000038.6 (MANE Select); coding-DNA position 1532, G replaced by A.
Protein change: p.Gly511Glu; replaces glycine 511 with glutamic acid.
Molecular consequence: missense variant.
Genome position (GRCh38, 1-based): chr5:112,827,231, G>A. VCF-style: chr5-112827231-G-A. GRCh37 (hg19) VCF-style: chr5-112162928-G-A.
Other names: c.1532G>A, p.Gly511Glu (NM_001127510.3, NM_001354895.2, NM_001407450.1); c.1478G>A, p.Gly493Glu (NM_001127511.3); c.1586G>A, p.Gly529Glu (NM_001354896.2, NM_001407447.1, NM_001407448.1 and 1 more transcripts); c.1562G>A, p.Gly521Glu (NM_001354897.2); c.1457G>A, p.Gly486Glu (NM_001354898.2); c.1448G>A, p.Gly483Glu (NM_001354899.2); c.1409G>A, p.Gly470Glu (NM_001354900.2); c.1355G>A, p.Gly452Glu (NM_001354901.2, NM_001407453.1); and 11 more; short protein forms G385E, G410E, G483E, G511E, G428E, G452E, G501E, G539E.
Identifiers: ClinVar variation 3882484 (VCV003882484.1).